The following is an entry in ClinVar:

NM_000219.6(KCNE1):c.353_354del (p.Pro118fs)

Gene: KCNE1 (potassium voltage-gated channel subfamily E regulatory subunit 1; minus strand). Cytogenetic location: 21q22.12.
Variant type: Deletion.
Coding change: c.353_354del on transcript NM_000219.6 (MANE Select); coding-DNA positions 353 to 354, 2 bases deleted (CC; older notation c.353_354delCC).
Protein change: p.Pro118fs; shifts the reading frame from proline 118.
Molecular consequence: frameshift variant.
Genome position (GRCh38, 1-based): chr21:34,449,281-34,449,282, GG deleted on the plus strand (CC on the coding strand, the reverse complement: KCNE1 is on the minus strand); deleting any 2 consecutive bases within chr21:34,449,281-34,449,283 gives the same sequence; the c. name uses the placement nearest the transcript's 3' end. VCF-style (leftmost placement, unchanged base first): chr21-34449280-TGG-T. GRCh37 (hg19) VCF-style: chr21-35821578-TGG-T.
Other names: c.353_354del, p.Pro118fs (NM_001270404.3, NM_001270405.3, NM_001127668.4 and 4 more transcripts); c.353_354delCC (NM_000219.3); short protein forms P118fs.
Identifiers: ClinVar variation 4090230 (VCV004090230.1).

ClinVar aggregate classification (germline): Uncertain significance (1 of 4 stars; one submission).

Conditions:
Cardiovascular phenotype. Identifiers: MedGen CN230736.

Submission:

Ambry Genetics
Classification: Uncertain significance for Cardiovascular phenotype. Last evaluated: 2025-07-30. Review status: criteria provided, single submitter. Criteria: Ambry Variant Classification Scheme 2023. Collection method: clinical testing. Allele origin: germline.
Comment: The c.353_354delCC variant, located in coding exon 1 of the KCNE1 gene, results from a deletion of two nucleotides at nucleotide positions 353 to 354, causing a translational frameshift with a predicted alternate stop codon (p.P118Qfs*6). This alteration occurs at the 3' terminus of theKCNE1 gene, is not expected to trigger nonsense-mediated mRNAdecay, and impacts the last 9% of the protein. The exact functional effect of this alteration is unknown. Based on the available evidence, the clinical significance of this variant remains unclear.